The following is an entry in ClinVar:

ClinVar aggregate classification (germline): Uncertain significance. Review status: criteria provided, multiple submitters, no conflicts (2 of 4 stars). 3 submissions from 3 submitters: Uncertain significance (3). Last evaluated 2025-08-25.

Conditions:
Hereditary cancer-predisposing syndrome. Also called: Neoplastic Syndromes, Hereditary; Hereditary neoplastic syndrome; Hereditary Cancer Syndrome; Tumor predisposition. Identifiers: Orphanet 140162, MedGen C0027672, MeSH D009386, MONDO:0015356.
POLD1-related polyposis and colorectal cancer syndrome (CRCS10). Also called: Colorectal cancer, susceptibility to, 10; Colorectal cancer 10; COLORECTAL CANCER, SUSCEPTIBILITY TO, ON CHROMOSOME 19q. Identifiers: Orphanet 220460, MedGen C2675481, MONDO:0012953, OMIM 612591.

Submissions (3):

Ambry Genetics
Classification: Uncertain significance for Hereditary cancer-predisposing syndrome. Last evaluated: 2025-08-25. Review status: criteria provided, single submitter. Criteria: Ambry Variant Classification Scheme 2023. Collection method: clinical testing. Allele origin: germline.
Comment: The p.C512R variant (also known as c.1534T>C), located in coding exon 12 of the POLD1 gene, results from a T to C substitution at nucleotide position 1534. The cysteine at codon 512 is replaced by arginine, an amino acid with highly dissimilar properties. This amino acid position is conserved. In addition, the in silico prediction for this alteration is inconclusive. Based on the available evidence, the clinical significance of this variant remains unclear.

Labcorp Genetics (formerly Invitae), Labcorp
Classification: Uncertain significance for POLD1-related polyposis and colorectal cancer syndrome. Last evaluated: 2023-08-24. Review status: criteria provided, single submitter. Criteria: Invitae Variant Classification Sherloc (09022015). Collection method: clinical testing. Allele origin: germline.
Comment: This sequence change replaces cysteine, which is neutral and slightly polar, with arginine, which is basic and polar, at codon 512 of the POLD1 protein (p.Cys512Arg). Advanced modeling of protein sequence and biophysical properties (such as structural, functional, and spatial information, amino acid conservation, physicochemical variation, residue mobility, and thermodynamic stability) performed at Invitae indicates that this missense variant is expected to disrupt POLD1 protein function. This variant is not present in population databases (gnomAD no frequency). This variant has not been reported in the literature in individuals affected with POLD1-related conditions. ClinVar contains an entry for this variant (Variation ID: 407991). In summary, the available evidence is currently insufficient to determine the role of this variant in disease. Therefore, it has been classified as a Variant of Uncertain Significance.

GeneDx
Classification: Uncertain significance. Last evaluated: 2018-09-13. Review status: criteria provided, single submitter. Criteria: GeneDx Variant Classification (06012015). Collection method: clinical testing. Allele origin: germline. Affected: yes.
Comment: This variant is denoted POLD1 c.1534T>C at the cDNA level, p.Cys512Arg (C512R) at the protein level, and results in the change of a Cysteine to an Arginine (TGC>CGC). This variant has not, to our knowledge, been published in the literature as a pathogenic or benign germline variant. POLD1 Cys512Arg was not observed in large population cohorts (Lek 2016). This variant is located within Exo III of the Exonuclease domain (Preston 2010). In silico analysis, which includes protein predictors and evolutionary conservation, supports a deleterious effect. Based on currently available evidence, it is unclear whether POLD1 Cys512Arg is a pathogenic or benign variant. We consider it to be a variant of uncertain significance.

NM_002691.4(POLD1):c.1534T>C (p.Cys512Arg)

Gene: POLD1 (DNA polymerase delta 1, catalytic subunit; plus strand). Cytogenetic location: 19q13.33.
Variant type: single nucleotide variant.
Coding change: c.1534T>C on transcript NM_002691.4 (MANE Select); coding-DNA position 1534, T replaced by C.
Protein change: p.Cys512Arg; replaces cysteine 512 with arginine.
Molecular consequence: missense variant. On other transcripts: non-coding transcript variant (1).
Genome position (GRCh38, 1-based): chr19:50,407,022, T>C. VCF-style: chr19-50407022-T-C. GRCh37 (hg19) VCF-style: chr19-50910279-T-C.
Other names: c.1534T>C, p.Cys512Arg (NM_001256849.1, NM_001308632.1); c.1534T>C (NM_002691.2); short protein forms C512R.
Identifiers: ClinVar variation 407991 (VCV000407991.11), dbSNP rs1060501815, ClinGen allele CA16616374.
Genomic context (GRCh38, chr19:50,407,022, plus strand): 5'-CCCATCCGTGCCCATCCCCAGAATGGGAACGACCAGACCCGCCGCCGCCTGGCTGTGTAC[T>C]GCCTGAAGGATGCCTACCTGCCACTGCGGCTGCTGGAGCGGCTCATGGTGCTGGTGAACG-3'
Protein context (NP_002682.2, residues 502-522): DQTRRRLAVY[Cys512Arg]LKDAYLPLRL